The following is an entry in ClinVar:

ClinVar aggregate classification (germline): Uncertain significance (1 of 4 stars; one submission).

Submission:

Labcorp Genetics (formerly Invitae), Labcorp
Classification: Uncertain significance. Last evaluated: 2024-06-15. Review status: criteria provided, single submitter. Criteria: Invitae Variant Classification Sherloc (09022015). Collection method: clinical testing. Allele origin: germline.
Comment: This sequence change replaces serine, which is neutral and polar, with threonine, which is neutral and polar, at codon 463 of the KCNH1 protein (p.Ser463Thr). This variant is not present in population databases (gnomAD no frequency). This variant has not been reported in the literature in individuals affected with KCNH1-related conditions. Advanced modeling of protein sequence and biophysical properties (such as structural, functional, and spatial information, amino acid conservation, physicochemical variation, residue mobility, and thermodynamic stability) performed at Invitae indicates that this missense variant is expected to disrupt KCNH1 protein function with a positive predictive value of 80%. In summary, the available evidence is currently insufficient to determine the role of this variant in disease. Therefore, it has been classified as a Variant of Uncertain Significance.

NM_172362.3(KCNH1):c.1388G>C (p.Ser463Thr)

Gene: KCNH1 (potassium voltage-gated channel subfamily H member 1; minus strand). Cytogenetic location: 1q32.2.
Variant type: single nucleotide variant.
Coding change: c.1388G>C on transcript NM_172362.3 (MANE Select); coding-DNA position 1388, G replaced by C.
Protein change: p.Ser463Thr; replaces serine 463 with threonine.
Molecular consequence: missense variant.
Genome position (GRCh38, 1-based): chr1:210,919,714, C>G on the plus strand (G>C on the coding strand, the complement: KCNH1 is on the minus strand). VCF-style: chr1-210919714-C-G. GRCh37 (hg19) VCF-style: chr1-211093056-C-G.
Other names: c.1307G>C, p.Ser436Thr (NM_002238.4); short protein forms S436T, S463T.
Identifiers: ClinVar variation 3633732 (VCV003633732.2).